The following is an entry in ClinVar:

NM_007254.4(PNKP):c.151+18T>G

Gene: PNKP (polynucleotide kinase 3'-phosphatase; minus strand). Cytogenetic location: 19q13.33.
Variant type: single nucleotide variant.
Coding change: c.151+18T>G on transcript NM_007254.4 (MANE Select); 18 bases into the intron after coding-DNA position 151, T replaced by G.
Molecular consequence: intron variant.
Genome position (GRCh38, 1-based): chr19:49,867,036, A>C on the plus strand (T>G on the coding strand, the complement: PNKP is on the minus strand). VCF-style: chr19-49867036-A-C. GRCh37 (hg19) VCF-style: chr19-50370293-A-C.
Identifiers: ClinVar variation 159791 (VCV000159791.14), dbSNP rs55756709, ClinGen allele CA251150.
Genomic context (GRCh38, chr19:49,867,036, plus strand): 5'-CGTAGCAGCCAAGCGTCCCTCTGGATTGTTCCCGCTTTTGCAGCAGGCCACACCCCCTCC[A>C]GCTCAGGCCCCGCTCACCTTGAGTTCTGGAGCACTTCCGGTCCGTAACCTGGGTCAGGGG-3'

ClinVar aggregate classification (germline): Conflicting classifications of pathogenicity. Review status: criteria provided, conflicting classifications (1 of 4 stars). 4 submissions from 4 submitters: Uncertain significance (1); Benign (1); Likely benign (2). Last evaluated 2025-12-15.

Conditions:
Developmental and epileptic encephalopathy, 12 (DEE12). Identifiers: MedGen C3150988, MONDO:0013389, OMIM 613722.
Microcephaly, seizures, and developmental delay. Identifiers: Orphanet 1934, MedGen C3150667, MONDO:0013254, OMIM 613402.

Allele frequency attached by ClinVar (database versions not stated): gnomAD 0.00009; TOPMed 0.00012; gnomAD exomes 0.00013 and 0.00027; ExAC 0.00015; 1000 Genomes Project 30x 0.00016; 1000 Genomes Project 0.00020.
gnomAD v4.1: 400 of 1,613,062 alleles (0.025%); highest among the groups gnomAD compares: Non-Finnish European, 0.032%; no homozygotes.

Submissions (4):

Labcorp Genetics (formerly Invitae), Labcorp
Classification: Likely benign for Developmental and epileptic encephalopathy, 12. Last evaluated: 2025-12-15. Review status: criteria provided, single submitter. Criteria: Invitae Variant Classification Sherloc (09022015). Collection method: clinical testing. Allele origin: germline.

Blueprint Genetics
Classification: Likely benign. Last evaluated: 2024-11-18. Review status: criteria provided, single submitter. Criteria: ACMG Guidelines, 2015. Collection method: clinical testing. Allele origin: germline.

GeneDx
Classification: Benign. Last evaluated: 2014-07-21. Review status: criteria provided, single submitter. Criteria: GeneDx Variant Classification (06012015). Collection method: clinical testing. Allele origin: germline. Affected: yes.
Comment: This variant is considered likely benign or benign based on one or more of the following criteria: it is a conservative change, it occurs at a poorly conserved position in the protein, it is predicted to be benign by multiple in silico algorithms, and/or has population frequency not consistent with disease.

Genetic Services Laboratory, University of Chicago
Classification: Uncertain significance for Epileptic encephalopathy, early infantile, 10. Last evaluated: 2013-02-08. Review status: criteria provided, single submitter. Criteria: ACMG Guidelines, 2007. Collection method: clinical testing. Allele origin: germline. Inheritance: Autosomal recessive inheritance.